The following is an entry in ClinVar:

ClinVar aggregate classification (germline): Likely benign. Review status: criteria provided, multiple submitters, no conflicts (2 of 4 stars). 2 submissions from 2 submitters: Likely benign (2). Last evaluated 2025-05-10.

Conditions:
SNRNP200-related disorder. Also called: SNRNP200-related condition.

Allele frequency attached by ClinVar (database versions not stated): gnomAD exomes 0.00001; ExAC 0.00002.
gnomAD v4.1: 26 of 1,582,602 alleles (0.0016%); highest among the groups gnomAD compares: Non-Finnish European, 0.0022%; no homozygotes.

Submissions (2):

PreventionGenetics, part of Exact Sciences
Classification: Likely benign for SNRNP200-related condition. Last evaluated: 2025-05-10. Review status: criteria provided, single submitter. Criteria: ACMG Guidelines, 2015. Collection method: clinical testing. Allele origin: germline.
Comment: This variant is classified as likely benign based on ACMG/AMP sequence variant interpretation guidelines (Richards et al. 2015 PMID: 25741868, with internal and published modifications).

Labcorp Genetics (formerly Invitae), Labcorp
Classification: Likely benign. Last evaluated: 2021-10-28. Review status: criteria provided, single submitter. Criteria: Invitae Variant Classification Sherloc (09022015). Collection method: clinical testing. Allele origin: germline.

NM_014014.5(SNRNP200):c.2311-9G>T

Gene: SNRNP200 (small nuclear ribonucleoprotein U5 subunit 200; minus strand). Cytogenetic location: 2q11.2.
Variant type: single nucleotide variant.
Coding change: c.2311-9G>T on transcript NM_014014.5 (MANE Select); 9 bases into the intron before coding-DNA position 2311, G replaced by T.
Molecular consequence: intron variant.
Genome position (GRCh38, 1-based): chr2:96,291,511, C>A on the plus strand (G>T on the coding strand, the complement: SNRNP200 is on the minus strand). VCF-style: chr2-96291511-C-A. GRCh37 (hg19) VCF-style: chr2-96957249-C-A.
Other names: c.2311-9G>T (NM_014014.4).
Identifiers: ClinVar variation 1645829 (VCV001645829.9), dbSNP rs773685067, ClinGen allele CA1778717.
Genomic context (GRCh38, chr2:96,291,511, plus strand): 5'-CTGCGTGATGAATAGCAAAGCCATAAGGCAGAAGATCCTTCAGCTCTAGGTTCTGTGGAA[C>A]AAAGAACCGGGGATGAGGCGAGCCTTCCTGTAGGACTCATCCAAGGACTAAGGAAATCTC-3'